The following is an entry in ClinVar:

ClinVar aggregate classification (germline): Uncertain significance (1 of 4 stars; one submission).

Submission:

Dasa
Classification: Uncertain significance. Last evaluated: 2026-07-04. Review status: criteria provided, single submitter. Criteria: DASA Assertion Criteria. Collection method: clinical testing. Allele origin: germline.
Comment: NM_006922.4(SCN3A):c.5403T>G (p.Asp1801Glu) is a missense variant that results in the substitution of aspartic acid with glutamic acid. This variant is rare in population databases. The currently available literature and clinical evidence are not sufficient to establish a definitive association between this variant and the reported condition. Therefore, this variant is classified as a variant of uncertain significance.

NM_006922.4(SCN3A):c.5403T>G (p.Asp1801Glu)

Gene: SCN3A (sodium voltage-gated channel alpha subunit 3; minus strand). Cytogenetic location: 2q24.3.
Variant type: single nucleotide variant.
Coding change: c.5403T>G on transcript NM_006922.4 (MANE Select); coding-DNA position 5403, T replaced by G.
Protein change: p.Asp1801Glu; replaces aspartic acid 1801 with glutamic acid.
Molecular consequence: missense variant.
Genome position (GRCh38, 1-based): chr2:165,090,750, A>C on the plus strand (T>G on the coding strand, the complement: SCN3A is on the minus strand). VCF-style: chr2-165090750-A-C. GRCh37 (hg19) VCF-style: chr2-165947260-A-C.
Other names: c.5256T>G, p.Asp1752Glu (NM_001081676.2, NM_001081677.2); short protein forms D1752E, D1801E.
Identifiers: ClinVar variation 5020263 (VCV005020263.1).
Genomic context (GRCh38, chr2:165,090,750, plus strand): 5'-ATCCAGGGCAGCTGCAAAATCAGAGAGTTTAGAGAACTCTATAAACTGGGTCGCATCGGG[A>C]TCAAACTTTTCCCAAACCTCATAGAACATCTCAAAGTCATCCTCACTCAGGGGCTCTGCA-3'
Protein context (NP_008853.3, residues 1791-1811): EMFYEVWEKF[Asp1801Glu]PDATQFIEFS